The following is an entry in ClinVar:

ClinVar aggregate classification (germline): Uncertain significance (1 of 4 stars; one submission).

Conditions:
Familial thoracic aortic aneurysm and aortic dissection (TAAD). Also called: Thoracic aortic aneurysms and dissections. Identifiers: Orphanet 91387, MedGen C4707243, MONDO:0019625.

Submission:

Ambry Genetics
Classification: Uncertain significance for Familial thoracic aortic aneurysm and aortic dissection. Last evaluated: 2026-06-30. Review status: criteria provided, single submitter. Criteria: Ambry Variant Classification Scheme 2023. Collection method: clinical testing. Allele origin: germline.
Comment: The c.5446_5448delCGCinsGA variant, located in coding exon 30 of the MYLK gene, results from the deletion of 3 nucleotides and insertion of two nucleotides causing a translational frameshift with a predicted alternate stop codon (p.R1816Efs*3). This variant occurs at the 3' terminus of the gene, is not expected to trigger nonsense-mediated mRNA decay, and impacts the last 5% of the protein. The exact functional effect of this variant is unknown. Based on the available evidence, the clinical significance of this variant remains unclear.

NM_053025.4(MYLK):c.5446_5448delinsGA (p.Arg1816fs)

Genes: MYLK (myosin light chain kinase; minus strand), MYLK-AS1 (MYLK antisense RNA 1; plus strand). Cytogenetic location: 3q21.1.
Variant type: Indel.
Coding change: c.5446_5448delinsGA on transcript NM_053025.4 (MANE Select); coding-DNA positions 5446 to 5448, CGC replaced by GA.
Protein change: p.Arg1816fs; shifts the reading frame from arginine 1816.
Molecular consequence: frameshift variant.
Genome position (GRCh38, 1-based): chr3:123,618,691-123,618,693, GCG replaced by TC on the plus strand (CGC replaced by GA on the coding strand, the reverse complement: MYLK is on the minus strand). VCF-style: chr3-123618691-GCG-TC. GRCh37 (hg19) VCF-style: chr3-123337538-GCG-TC.
Other names: c.4918_4920delinsGA, p.Arg1640fs (NM_001321309.2); c.163_165delinsGA, p.Arg55fs (NM_001438035.1, NM_053031.4); c.5239_5241delinsGA, p.Arg1747fs (NM_053026.4); c.5293_5295delinsGA, p.Arg1765fs (NM_053027.4); c.5086_5088delinsGA, p.Arg1696fs (NM_053028.4); c.166_168delinsGA, p.Arg56fs (NM_053032.4); short protein forms R56fs, R1640fs, R1747fs, R1696fs, R1765fs, R1816fs, R55fs.
Identifiers: ClinVar variation 5025198 (VCV005025198.1).
Genomic context (GRCh38, chr3:123,618,691, plus strand): 5'-CAACTTACCTTCAATCTTGCAGTCAAATCTAGCAGCACTTCCCTCCACAACTTCTAAATC[GCG>TC]AATGGTCTTAGAGAAATAGGGTTTTACATGAGGCTTTTCCTCAGCAACAGCCTCAAGGAA-3'